The following is an entry in ClinVar:

NM_001972.4(ELANE):c.455T>C (p.Leu152Pro)

Gene: ELANE (elastase, neutrophil expressed; plus strand). Cytogenetic location: 19p13.3.
Variant type: single nucleotide variant.
Coding change: c.455T>C on transcript NM_001972.4 (MANE Select); coding-DNA position 455, T replaced by C.
Protein change: p.Leu152Pro; replaces leucine 152 with proline.
Molecular consequence: missense variant.
Genome position (GRCh38, 1-based): chr19:855,652, T>C. VCF-style: chr19-855652-T-C. GRCh37 (hg19) VCF-style: chr19-855652-T-C.
Other names: short protein forms L152P.
Identifiers: ClinVar variation 4783836 (VCV004783836.1).

ClinVar aggregate classification (germline): Uncertain significance (1 of 4 stars; one submission).

Conditions:
Neutropenia, severe congenital, 1, autosomal dominant. Identifiers: MedGen C1859966, MONDO:0042490, OMIM 202700.
Cyclical neutropenia. Also called: Cyclic Neutropenia; Cyclic hematopoiesis. Identifiers: Orphanet 2686, MedGen C0221023, MONDO:0008090, OMIM 162800, HP:0040289. Disease mechanism: loss of function.

Submission:

Labcorp Genetics (formerly Invitae), Labcorp
Classification: Uncertain significance for Neutropenia, severe congenital, 1, autosomal dominant; Cyclical neutropenia. Last evaluated: 2025-03-16. Review status: criteria provided, single submitter. Criteria: Invitae Variant Classification Sherloc (09022015). Collection method: clinical testing. Allele origin: germline.
Comment: This sequence change replaces leucine, which is neutral and non-polar, with proline, which is neutral and non-polar, at codon 152 of the ELANE protein (p.Leu152Pro). This variant is not present in population databases (gnomAD no frequency). This missense change has been observed in individual(s) with severe congenital neutropenia (PMID: 14962902, 21425445, 23463630, 35525891). This variant is also known as 4573T>C, L123P. Invitae Evidence Modeling of protein sequence and biophysical properties (such as structural, functional, and spatial information, amino acid conservation, physicochemical variation, residue mobility, and thermodynamic stability) indicates that this missense variant is expected to disrupt ELANE protein function with a positive predictive value of 95%. In summary, the available evidence is currently insufficient to determine the role of this variant in disease. Therefore, it has been classified as a Variant of Uncertain Significance.

Literature cited by the submitters: PubMed 14962902; PubMed 21425445; PubMed 23463630; PubMed 35525891.